The following is an entry in ClinVar:

NM_052867.4(NALCN):c.75G>A (p.Ser25=)

Gene: NALCN (sodium leak channel, non-selective; minus strand). Cytogenetic location: 13q33.1.
Variant type: single nucleotide variant.
Coding change: c.75G>A on transcript NM_052867.4 (MANE Select); coding-DNA position 75, G replaced by A.
Protein change: p.Ser25=; no amino-acid change (serine 25 retained).
Molecular consequence: synonymous variant.
Genome position (GRCh38, 1-based): chr13:101,399,052, C>T on the plus strand (G>A on the coding strand, the complement: NALCN is on the minus strand). VCF-style: chr13-101399052-C-T. GRCh37 (hg19) VCF-style: chr13-102051403-C-T.
Other names: c.75G>A, p.Ser25= (NM_001350748.2, NM_001350749.2, NM_001350750.2 and 1 more transcripts).
Identifiers: ClinVar variation 2643900 (VCV002643900.27), dbSNP rs374635988, ClinGen allele CA7036566.

ClinVar aggregate classification (germline): Likely benign. Review status: criteria provided, multiple submitters, no conflicts (2 of 4 stars). 2 submissions from 2 submitters: Likely benign (2). Last evaluated 2025-07-06.

Allele frequency attached by ClinVar (database versions not stated): TOPMed 0.00002; ExAC 0.00006.
gnomAD v4.1: 40 of 1,610,842 alleles (0.0025%); highest among the groups gnomAD compares: East Asian, 0.053%; no homozygotes.

Submissions (2):

Labcorp Genetics (formerly Invitae), Labcorp
Classification: Likely benign. Last evaluated: 2025-07-06. Review status: criteria provided, single submitter. Criteria: Invitae Variant Classification Sherloc (09022015). Collection method: clinical testing. Allele origin: germline.

CeGaT Center for Human Genetics Tuebingen
Classification: Likely benign. Last evaluated: 2023-05-01. Review status: criteria provided, single submitter. Criteria: CeGaT Center For Human Genetics Tuebingen Variant Classification Criteria Version 2. Collection method: clinical testing. Allele origin: germline. Affected: yes. Observed: 1 variant allele.
Comment: NALCN: BP4, BP7